The following is an entry in ClinVar:

ClinVar aggregate classification (germline): Uncertain significance (1 of 4 stars; one submission).

Conditions:
NRTN-related disorder. Also called: NRTN-related condition.

gnomAD v4.1: 1 of 1,529,776 alleles (0.000065%); highest among the groups gnomAD compares: Non-Finnish European, 0.000087%; no homozygotes.

Submission:

PreventionGenetics, part of Exact Sciences
Classification: Uncertain significance for NRTN-related condition. Last evaluated: 2026-09-24. Review status: criteria provided, single submitter. Criteria: ACMG Guidelines, 2015. Collection method: clinical testing. Allele origin: germline.
Comment: The NRTN c.569C>G variant is predicted to result in the amino acid substitution p.Ser190Trp. To our knowledge, this variant has not been reported in the literature or in a large population database (gnomAD), indicating this variant is rare. At this time, the clinical significance of this variant is uncertain due to the absence of conclusive functional and genetic evidence.

NM_004558.5(NRTN):c.569C>G (p.Ser190Trp)

Gene: NRTN (neurturin; plus strand). Cytogenetic location: 19p13.3.
Variant type: single nucleotide variant.
Coding change: c.569C>G on transcript NM_004558.5 (MANE Select); coding-DNA position 569, C replaced by G.
Protein change: p.Ser190Trp; replaces serine 190 with tryptophan.
Molecular consequence: missense variant.
Genome position (GRCh38, 1-based): chr19:5,828,148, C>G. VCF-style: chr19-5828148-C-G. GRCh37 (hg19) VCF-style: chr19-5828159-C-G.
Other names: short protein forms S190W.
Identifiers: ClinVar variation 4991244 (VCV004991244.1).